The following is an entry in ClinVar:

NM_000834.5(GRIN2B):c.1844A>T (p.Asn615Ile)

Gene: GRIN2B (glutamate ionotropic receptor NMDA type subunit 2B; minus strand). Cytogenetic location: 12p13.1.
Variant type: single nucleotide variant.
Coding change: c.1844A>T on transcript NM_000834.5 (MANE Select); coding-DNA position 1844, A replaced by T.
Protein change: p.Asn615Ile; replaces asparagine 615 with isoleucine.
Molecular consequence: missense variant.
Genome position (GRCh38, 1-based): chr12:13,608,769, T>A on the plus strand (A>T on the coding strand, the complement: GRIN2B is on the minus strand). VCF-style: chr12-13608769-T-A. GRCh37 (hg19) VCF-style: chr12-13761703-T-A.
Other names: short protein forms N615I.
Identifiers: ClinVar variation 162086 (VCV000162086.3), dbSNP rs672601377, ClinGen allele CA174969.

ClinVar aggregate classification (germline): Likely pathogenic. Review status: criteria provided, single submitter (1 of 4 stars). 2 submissions from 2 submitters: Likely pathogenic (1). 1 of the submissions does not count toward it. Last evaluated 2017-04-04.

Conditions:
Developmental and epileptic encephalopathy, 27 (DEE27). Also called: Epileptic encephalopathy, early infantile, 27; GRIN2B-Related Neurodevelopmental Disorder. Identifiers: Orphanet 3451, MedGen C4015316, MONDO:0014505, OMIM 616139.
Intellectual developmental disorder, autosomal dominant 6, with or without seizures. Also called: GRIN2B-related developmental delay, intellectual disability and autism spectrum disorder; Intellectual disability, autosomal dominant 6. Identifiers: Orphanet 589547, MedGen C3151411, MONDO:0013509, OMIM 613970.

Submissions (2):

Institute of Human Genetics, University of Leipzig Medical Center
Classification: Likely pathogenic for Intellectual developmental disorder, autosomal dominant 6, with or without seizures. Last evaluated: 2017-04-04. Review status: criteria provided, single submitter. Criteria: ACMG Guidelines, 2015. Collection method: clinical testing. Allele origin: de novo. Affected: yes.
Comment: This variant was identified as de novo (maternity and paternity confirmed).

OMIM
Classification: Pathogenic for DEVELOPMENTAL AND EPILEPTIC ENCEPHALOPATHY 27. Last evaluated: 2014-01-01. Review status: no assertion criteria provided. Collection method: literature only. Allele origin: germline. Not counted in ClinVar's aggregate classification.

Literature cited by the submitters: PubMed 28377535 (cited by Institute of Human Genetics, University of Leipzig Medical Center); PubMed 24272827 (cited by OMIM).